The following is an entry in ClinVar:

NM_000059.4(BRCA2):c.5490del (p.Ile1831fs)

Gene: BRCA2 (BRCA2 DNA repair associated; plus strand). Cytogenetic location: 13q13.1.
Variant type: Deletion.
Coding change: c.5490del on transcript NM_000059.4 (MANE Select); coding-DNA position 5490, one base deleted (C; older notation c.5490delC).
Protein change: p.Ile1831fs; shifts the reading frame from isoleucine 1831.
Molecular consequence: frameshift variant. On other transcripts: non-coding transcript variant (1), intron variant (2).
Genome position (GRCh38, 1-based): chr13:32,339,845, C deleted; the last of 2 consecutive C bases (chr13:32,339,844-32,339,845); deleting either gives the same sequence. VCF-style (leftmost placement, unchanged base first): chr13-32339843-TC-T. GRCh37 (hg19) VCF-style: chr13-32913980-TC-T.
Other names: c.5490del, p.Ile1831fs (NM_001406719.1, NM_001406720.1, NM_001432077.1); c.1910-4713del (NM_001406721.1); c.425-4713del (NM_001406722.1); short protein forms I1831fs.
Identifiers: ClinVar variation 3482117 (VCV003482117.1).

ClinVar aggregate classification (germline): Pathogenic (1 of 4 stars; one submission).

Conditions:
Hereditary cancer-predisposing syndrome. Also called: Tumor predisposition; Neoplastic Syndromes, Hereditary; Hereditary Cancer Syndrome; Hereditary neoplastic syndrome. Identifiers: Orphanet 140162, MedGen C0027672, MeSH D009386, MONDO:0015356.

Submission:

Ambry Genetics
Classification: Pathogenic for Hereditary cancer-predisposing syndrome. Last evaluated: 2024-10-03. Review status: criteria provided, single submitter. Criteria: Ambry Variant Classification Scheme 2023. Collection method: clinical testing. Allele origin: germline.
Comment: The c.5490delC pathogenic mutation, located in coding exon 10 of the BRCA2 gene, results from a deletion of one nucleotide at nucleotide position 5490, causing a translational frameshift with a predicted alternate stop codon (p.I1831Yfs*9). This variant is considered to be rare based on population cohorts in the Genome Aggregation Database (gnomAD). This alteration is expected to result in loss of function by premature protein truncation or nonsense-mediated mRNA decay. As such, this alteration is interpreted as a disease-causing mutation.